The following is an entry in ClinVar:

NM_000238.4(KCNH2):c.3122G>A (p.Arg1041Lys)

Gene: KCNH2 (potassium voltage-gated channel subfamily H member 2; minus strand). Cytogenetic location: 7q36.1.
Variant type: single nucleotide variant.
Coding change: c.3122G>A on transcript NM_000238.4 (MANE Select); coding-DNA position 3122, G replaced by A.
Protein change: p.Arg1041Lys; replaces arginine 1041 with lysine.
Molecular consequence: missense variant.
Genome position (GRCh38, 1-based): chr7:150,947,358, C>T on the plus strand (G>A on the coding strand, the complement: KCNH2 is on the minus strand). VCF-style: chr7-150947358-C-T. GRCh37 (hg19) VCF-style: chr7-150644446-C-T.
Other names: c.2102G>A, p.Arg701Lys (NM_172057.3); short protein forms R701K, R1041K.
Identifiers: ClinVar variation 1382217 (VCV001382217.6), dbSNP rs2116928345, ClinGen allele CA369852575.

ClinVar aggregate classification (germline): Uncertain significance (1 of 4 stars; one submission).

Conditions:
Long QT syndrome (LQTS). Identifiers: MedGen C0023976, MeSH D008133, MONDO:0002442. Disease mechanism: loss of function. Inheritance: Various modes of inheritance.

Submission:

Labcorp Genetics (formerly Invitae), Labcorp
Classification: Uncertain significance for Long QT syndrome. Last evaluated: 2025-07-06. Review status: criteria provided, single submitter. Criteria: Invitae Variant Classification Sherloc (09022015). Collection method: clinical testing. Allele origin: germline.
Comment: This sequence change replaces arginine, which is basic and polar, with lysine, which is basic and polar, at codon 1041 of the KCNH2 protein (p.Arg1041Lys). This variant is not present in population databases (gnomAD no frequency). This variant has not been reported in the literature in individuals affected with KCNH2-related conditions. ClinVar contains an entry for this variant (Variation ID: 1382217). An algorithm developed to predict the effect of missense changes on protein structure and function outputs the following: PolyPhen-2: "Possibly Damaging". The lysine amino acid residue is found in multiple mammalian species, which suggests that this missense change does not adversely affect protein function. In summary, the available evidence is currently insufficient to determine the role of this variant in disease. Therefore, it has been classified as a Variant of Uncertain Significance.